The following is an entry in ClinVar:

ClinVar aggregate classification (germline): Uncertain significance. Review status: criteria provided, multiple submitters, no conflicts (2 of 4 stars). 2 submissions from 2 submitters: Uncertain significance (2). Last evaluated 2023-12-11.

Allele frequency attached by ClinVar (database versions not stated): 1000 Genomes Project 30x 0.00031; gnomAD 0.00031 and 0.00037; 1000 Genomes Project 0.00040; TOPMed 0.00046; gnomAD exomes 0.00060 and 0.00065; ESP Exome Variant Server 0.00062.
gnomAD v4.1: 1,038 of 1,614,188 alleles (0.064%); highest among the groups gnomAD compares: Middle Eastern, 0.48%; 3 homozygotes.

Submissions (2):

Labcorp Genetics (formerly Invitae), Labcorp
Classification: Uncertain significance. Last evaluated: 2023-12-11. Review status: criteria provided, single submitter. Criteria: Invitae Variant Classification Sherloc (09022015). Collection method: clinical testing. Allele origin: germline.
Comment: This sequence change replaces glutamine, which is neutral and polar, with histidine, which is basic and polar, at codon 101 of the LETM1 protein (p.Gln101His). This variant is present in population databases (rs142447147, gnomAD 0.2%), and has an allele count higher than expected for a pathogenic variant. This variant has not been reported in the literature in individuals affected with LETM1-related conditions. ClinVar contains an entry for this variant (Variation ID: 1514460). An algorithm developed to predict the effect of missense changes on protein structure and function (PolyPhen-2) suggests that this variant¬†is likely to be tolerated. In summary, the available evidence is currently insufficient to determine the role of this variant in disease. Therefore, it has been classified as a Variant of Uncertain Significance.

Breakthrough Genomics
Classification: Uncertain significance. Review status: criteria provided, single submitter. Criteria: ACMG Guidelines, 2015. Collection method: not provided. Allele origin: germline. Inheritance: Autosomal recessive inheritance. Affected: yes.

NM_012318.3(LETM1):c.303G>C (p.Gln101His)

Gene: LETM1 (leucine zipper and EF-hand containing transmembrane protein 1; minus strand). Cytogenetic location: 4p16.3.
Variant type: single nucleotide variant.
Coding change: c.303G>C on transcript NM_012318.3 (MANE Select); coding-DNA position 303, G replaced by C.
Protein change: p.Gln101His; replaces glutamine 101 with histidine.
Molecular consequence: missense variant.
Genome position (GRCh38, 1-based): chr4:1,841,638, C>G on the plus strand (G>C on the coding strand, the complement: LETM1 is on the minus strand). VCF-style: chr4-1841638-C-G. GRCh37 (hg19) VCF-style: chr4-1843365-C-G.
Other names: short protein forms Q101H.
Identifiers: ClinVar variation 1514460 (VCV001514460.5), dbSNP rs142447147, ClinGen allele CA2811668.